The following is an entry in ClinVar:

ClinVar aggregate classification (germline): Uncertain significance (1 of 4 stars; one submission).

Conditions:
Specific granule deficiency. Identifiers: Orphanet 169142, MedGen C0398593, MONDO:0009506.

Submission:

Labcorp Genetics (formerly Invitae), Labcorp
Classification: Uncertain significance for Specific granule deficiency. Last evaluated: 2021-10-29. Review status: criteria provided, single submitter. Criteria: Invitae Variant Classification Sherloc (09022015). Collection method: clinical testing. Allele origin: germline.
Comment: In summary, the available evidence is currently insufficient to determine the role of this variant in disease. Therefore, it has been classified as a Variant of Uncertain Significance. Algorithms developed to predict the effect of missense changes on protein structure and function (SIFT, PolyPhen-2, Align-GVGD) all suggest that this variant is likely to be disruptive. This variant has not been reported in the literature in individuals affected with CEBPE-related conditions. This variant is not present in population databases (gnomAD no frequency). This sequence change replaces aspartic acid, which is acidic and polar, with glycine, which is neutral and non-polar, at codon 41 of the CEBPE protein (p.Asp41Gly).

NM_001805.4(CEBPE):c.122A>G (p.Asp41Gly)

Gene: CEBPE (CCAAT enhancer binding protein epsilon; minus strand). Cytogenetic location: 14q11.2.
Variant type: single nucleotide variant.
Coding change: c.122A>G on transcript NM_001805.4 (MANE Select); coding-DNA position 122, A replaced by G.
Protein change: p.Asp41Gly; replaces aspartic acid 41 with glycine.
Molecular consequence: missense variant.
Genome position (GRCh38, 1-based): chr14:23,118,970, T>C on the plus strand (A>G on the coding strand, the complement: CEBPE is on the minus strand). VCF-style: chr14-23118970-T-C. GRCh37 (hg19) VCF-style: chr14-23588179-T-C.
Other names: short protein forms D41G.
Identifiers: ClinVar variation 1348082 (VCV001348082.6), dbSNP rs2140292255, ClinGen allele CA388953877.
Genomic context (GRCh38, chr14:23,118,970, plus strand): 5'-TTCACGGCAAAGAGATCGGAGAGAAGCTGCTCTTCCCCAGACTCGATGTAGGCGGAGAGG[T>C]CAATGGAGGCCTCATGCTCACACATGTCCCCTAGCTCCCCGGGCCCAGCTCGGCCCCCTG-3'
Protein context (NP_001796.2, residues 31-51): GDMCEHEASI[Asp41Gly]LSAYIESGEE